The following is an entry in ClinVar:

ClinVar aggregate classification (germline): Uncertain significance (1 of 4 stars; one submission).

gnomAD v4.1: 4 of 1,611,302 alleles (0.00025%); highest among the groups gnomAD compares: South Asian, 0.0011%; no homozygotes.

Submission:

Ambry Genetics
Classification: Uncertain significance. Last evaluated: 2025-07-15. Review status: criteria provided, single submitter. Criteria: Ambry Variant Classification Scheme 2023. Collection method: clinical testing. Allele origin: germline.
Comment: The p.S79C variant (also known as c.236C>G), located in coding exon 3 of the SRP72 gene, results from a C to G substitution at nucleotide position 236. The serine at codon 79 is replaced by cysteine, an amino acid with dissimilar properties. This amino acid position is conserved. In addition, this alteration is predicted to be tolerated by in silico analysis. Based on the available evidence, the clinical significance of this variant remains unclear.

NM_006947.4(SRP72):c.236C>G (p.Ser79Cys)

Gene: SRP72 (signal recognition particle 72; plus strand). Cytogenetic location: 4q12.
Variant type: single nucleotide variant.
Coding change: c.236C>G on transcript NM_006947.4 (MANE Select); coding-DNA position 236, C replaced by G.
Protein change: p.Ser79Cys; replaces serine 79 with cysteine.
Molecular consequence: missense variant. On other transcripts: non-coding transcript variant (1).
Genome position (GRCh38, 1-based): chr4:56,471,725, C>G. VCF-style: chr4-56471725-C-G. GRCh37 (hg19) VCF-style: chr4-57337891-C-G.
Other names: c.236C>G, p.Ser79Cys (NM_001267722.2); short protein forms S79C.
Identifiers: ClinVar variation 4174932 (VCV004174932.1).